The following is an entry in ClinVar:

NM_001267550.2(TTN):c.74033_74036del (p.Gly24678fs)

Genes: TTN (titin; minus strand), TTN-AS1 (TTN antisense RNA 1; plus strand). Cytogenetic location: 2q31.2.
Variant type: Deletion.
Coding change: c.74033_74036del on transcript NM_001267550.2 (MANE Select); coding-DNA positions 74033 to 74036, 4 bases deleted (GATT; older notation c.74033_74036delGATT).
Protein change: p.Gly24678fs; shifts the reading frame from glycine 24678.
Molecular consequence: frameshift variant.
Genome position (GRCh38, 1-based): chr2:178,572,096-178,572,099, AATC deleted on the plus strand (GATT on the coding strand, the reverse complement: TTN is on the minus strand). VCF-style (leftmost placement, unchanged base first): chr2-178572095-TAATC-T. GRCh37 (hg19) VCF-style: chr2-179436822-TAATC-T.
Other names: c.69110_69113del, p.Gly23037fs (NM_001256850.1); c.46838_46841del, p.Gly15613fs (NM_003319.4); c.66329_66332del, p.Gly22110fs (NM_133378.4); c.47213_47216del, p.Gly15738fs (NM_133432.3); c.47414_47417del, p.Gly15805fs (NM_133437.4); short protein forms G24678fs, G23037fs, G15613fs, G22110fs, G15738fs, G15805fs.
Identifiers: ClinVar variation 1520475 (VCV001520475.8), dbSNP rs2154169838, ClinGen allele CA2573134147.

ClinVar aggregate classification (germline): Likely pathogenic (1 of 4 stars; one submission).

Conditions:
Dilated cardiomyopathy 1G (CMD1G). Identifiers: Orphanet 154, MedGen C1858763, MONDO:0011400, OMIM 604145.
Autosomal recessive limb-girdle muscular dystrophy type 2J (LGMDR10). Also called: Limb-girdle muscular dystrophy, type 2J; MUSCULAR DYSTROPHY, LIMB-GIRDLE, AUTOSOMAL RECESSIVE 10. Identifiers: Orphanet 140922, MedGen C1837342, MONDO:0012127, OMIM 608807.

Submission:

Labcorp Genetics (formerly Invitae), Labcorp
Classification: Likely pathogenic for Dilated cardiomyopathy 1G; Autosomal recessive limb-girdle muscular dystrophy type 2J. Last evaluated: 2024-03-11. Review status: criteria provided, single submitter. Criteria: Invitae Variant Classification Sherloc (09022015). Collection method: clinical testing. Allele origin: germline.
Comment: This sequence change creates a premature translational stop signal (p.Gly24678Glufs*25) in the TTN gene. While this is not anticipated to result in nonsense mediated decay, it is expected to create a truncated TTN protein. This variant is not present in population databases (gnomAD no frequency). This variant has not been reported in the literature in individuals affected with TTN-related conditions. ClinVar contains an entry for this variant (Variation ID: 1520475). This variant is located in the A band of TTN (PMID: 25589632). Truncating variants in this region are significantly overrepresented in patients affected with dilated cardiomyopathy (PMID: 25589632). Truncating variants in this region have also been reported in individuals affected with autosomal recessive centronuclear myopathy (PMID: 23975875). In summary, the currently available evidence indicates that the variant is pathogenic, but additional data are needed to prove that conclusively. Therefore, this variant has been classified as Likely Pathogenic.

Literature cited by the submitters: PubMed 25589632; PubMed 23975875.